The following is an entry in ClinVar:

NM_000218.3(KCNQ1):c.383C>T (p.Ala128Val)

Gene: KCNQ1 (potassium voltage-gated channel subfamily Q member 1; plus strand). Cytogenetic location: 11p15.5.
Variant type: single nucleotide variant.
Coding change: c.383C>T on transcript NM_000218.3 (MANE Select); coding-DNA position 383, C replaced by T.
Protein change: p.Ala128Val; replaces alanine 128 with valine.
Molecular consequence: missense variant. On other transcripts: synonymous variant (1).
Genome position (GRCh38, 1-based): chr11:2,445,481, C>T. VCF-style: chr11-2445481-C-T. GRCh37 (hg19) VCF-style: chr11-2466711-C-T.
Other names: c.383C>T, p.Ala128Val (NM_001406836.1, NM_001406838.1); c.21C>T, p.Arg7= (NM_001406837.1); short protein forms A128V.
Identifiers: ClinVar variation 1735417 (VCV001735417.2), dbSNP rs2496743146, ClinGen allele CA379117862.
Genomic context (GRCh38, chr11:2,445,481, plus strand): 5'-GCCGCGTCTACAACTTCCTCGAGCGTCCCACCGGCTGGAAATGCTTCGTTTACCACTTCG[C>T]CGTGTGAGTATCGCCACCGGCGACGGCCGGCACGAAGGTGCTTCCTGAGAGCTGGTGTGG-3'
Protein context (NP_000209.2, residues 118-138): TGWKCFVYHF[Ala128Val]VFLIVLVCLI

ClinVar aggregate classification (germline): Uncertain significance (1 of 4 stars; one submission).

Conditions:
Cardiovascular phenotype. Identifiers: MedGen CN230736.

Submission:

Ambry Genetics
Classification: Uncertain significance for Cardiovascular phenotype. Last evaluated: 2020-11-18. Review status: criteria provided, single submitter. Criteria: Ambry Variant Classification Scheme 2023. Collection method: clinical testing. Allele origin: germline.
Comment: The p.A128V variant (also known as c.383C>T), located in coding exon 1 of the KCNQ1 gene, results from a C to T substitution at nucleotide position 383. The alanine at codon 128 is replaced by valine, an amino acid with similar properties, and is located in the S1 domain. This amino acid position is poorly conserved in available vertebrate species. In addition, the in silico prediction for this alteration is inconclusive. Since supporting evidence is limited at this time, the clinical significance of this alteration remains unclear.